The following is an entry in ClinVar:

NM_001002295.2(GATA3):c.825G>A (p.Trp275Ter)

Gene: GATA3 (GATA binding protein 3; plus strand). Cytogenetic location: 10p14.
Variant type: single nucleotide variant.
Coding change: c.825G>A on transcript NM_001002295.2 (MANE Select); coding-DNA position 825, G replaced by A.
Protein change: p.Trp275Ter; replaces tryptophan 275 with a stop codon.
Molecular consequence: nonsense.
Genome position (GRCh38, 1-based): chr10:8,064,039, G>A. VCF-style: chr10-8064039-G-A. GRCh37 (hg19) VCF-style: chr10-8106002-G-A.
Other names: c.822G>A, p.Trp274Ter (NM_002051.3); short protein forms W274*, W275*.
Identifiers: ClinVar variation 2702301 (VCV002702301.3), dbSNP rs185672882, ClinGen allele CA202456632.

ClinVar aggregate classification (germline): Pathogenic (1 of 4 stars; one submission).

Submission:

Labcorp Genetics (formerly Invitae), Labcorp
Classification: Pathogenic. Last evaluated: 2024-01-29. Review status: criteria provided, single submitter. Criteria: Invitae Variant Classification Sherloc (09022015). Collection method: clinical testing. Allele origin: germline.
Comment: This sequence change creates a premature translational stop signal (p.Trp275*) in the GATA3 gene. It is expected to result in an absent or disrupted protein product. Loss-of-function variants in GATA3 are known to be pathogenic (PMID: 14985365, 21242646). This variant is not present in population databases (gnomAD no frequency). This variant has not been reported in the literature in individuals affected with GATA3-related conditions. For these reasons, this variant has been classified as Pathogenic.

Literature cited by the submitters: PubMed 14985365; PubMed 21242646.